The following is an entry in ClinVar:

ClinVar aggregate classification (germline): Pathogenic (1 of 4 stars; one submission).

Conditions:
Juvenile polyposis syndrome (JPS). Identifiers: Orphanet 2929, MedGen C0345893, MONDO:0017380, OMIM 174900.

Submission:

Labcorp Genetics (formerly Invitae), Labcorp
Classification: Pathogenic for Juvenile polyposis syndrome. Last evaluated: 2021-11-23. Review status: criteria provided, single submitter. Criteria: Invitae Variant Classification Sherloc (09022015). Collection method: clinical testing. Allele origin: germline.
Comment: This variant has not been reported in the literature in individuals affected with SMAD4-related conditions. For these reasons, this variant has been classified as Pathogenic. This variant is not present in population databases (gnomAD no frequency). This sequence change creates a premature translational stop signal (p.His111Argfs*2) in the SMAD4 gene. It is expected to result in an absent or disrupted protein product. Loss-of-function variants in SMAD4 are known to be pathogenic (PMID: 16152648, 16436638, 22810475).

Literature cited by the submitters: PubMed 16152648; PubMed 16436638; PubMed 22810475.

NM_005359.6(SMAD4):c.332_333del (p.His111fs)

Gene: SMAD4 (SMAD family member 4; plus strand). Cytogenetic location: 18q21.2.
Variant type: Deletion.
Coding change: c.332_333del on transcript NM_005359.6 (MANE Select); coding-DNA positions 332 to 333, 2 bases deleted (AT; older notation c.332_333delAT).
Protein change: p.His111fs; shifts the reading frame from histidine 111.
Molecular consequence: frameshift variant.
Genome position (GRCh38, 1-based): chr18:51,048,768-51,048,769, AT deleted. VCF-style (leftmost placement, unchanged base first): chr18-51048767-CAT-C. GRCh37 (hg19) VCF-style: chr18-48575137-CAT-C.
Other names: short protein forms H111fs.
Identifiers: ClinVar variation 1409550 (VCV001409550.6), dbSNP rs2144405621, ClinGen allele CA2573155408.